The following is an entry in ClinVar:

ClinVar aggregate classification (germline): Uncertain significance (1 of 4 stars; one submission).

Conditions:
Severe myoclonic epilepsy in infancy (DRVT). Also called: Epileptic encephalopathy, early infantile, 6 (Dravet syndrome); Dravet syndrome; SEVERE MYOCLONIC EPILEPSY OF INFANCY; DEVELOPMENTAL AND EPILEPTIC ENCEPHALOPATHY 6A; Severe Myoclonic Epilepsy in Infancy (SMEI). Identifiers: Orphanet 33069, MedGen C0751122, MONDO:0100135, OMIM 607208.

Allele frequency attached by ClinVar (database versions not stated): TOPMed below 0.00001.
gnomAD v4.1: 3 of 1,465,264 alleles (0.0002%); highest among the groups gnomAD compares: East Asian, 0.0058%; no homozygotes.

Submission:

Labcorp Genetics (formerly Invitae), Labcorp
Classification: Uncertain significance for Severe myoclonic epilepsy in infancy. Last evaluated: 2022-08-16. Review status: criteria provided, single submitter. Criteria: Invitae Variant Classification Sherloc (09022015). Collection method: clinical testing. Allele origin: germline.
Comment: This sequence change replaces glycine, which is neutral and non-polar, with tryptophan, which is neutral and slightly polar, at codon 25 of the SNX27 protein (p.Gly25Trp). This variant is not present in population databases (gnomAD no frequency). This variant has not been reported in the literature in individuals affected with SNX27-related conditions. ClinVar contains an entry for this variant (Variation ID: 566242). Algorithms developed to predict the effect of missense changes on protein structure and function are either unavailable or do not agree on the potential impact of this missense change (SIFT: "Deleterious"; PolyPhen-2: "Benign"; Align-GVGD: "Class C0"). In summary, the available evidence is currently insufficient to determine the role of this variant in disease. Therefore, it has been classified as a Variant of Uncertain Significance.

NM_001330723.2(SNX27):c.73G>T (p.Gly25Trp)

Genes: SNX27 (sorting nexin 27; plus strand), LOC129931442 (ATAC-STARR-seq lymphoblastoid silent region 1324; plus strand). Cytogenetic location: 1q21.3.
Variant type: single nucleotide variant.
Coding change: c.73G>T on transcript NM_001330723.2 (MANE Select); coding-DNA position 73, G replaced by T.
Protein change: p.Gly25Trp; replaces glycine 25 with tryptophan.
Molecular consequence: missense variant.
Genome position (GRCh38, 1-based): chr1:151,612,274, G>T. VCF-style: chr1-151612274-G-T. GRCh37 (hg19) VCF-style: chr1-151584750-G-T.
Other names: c.73G>T, p.Gly25Trp (NM_030918.6); short protein forms G25W.
Identifiers: ClinVar variation 566242 (VCV000566242.6), dbSNP rs1558028277, ClinGen allele CA341973697.